The following is an entry in ClinVar:

NM_000088.4(COL1A1):c.2830-1G>A

Gene: COL1A1 (collagen type I alpha 1 chain; minus strand). Cytogenetic location: 17q21.33.
Variant type: single nucleotide variant.
Coding change: c.2830-1G>A on transcript NM_000088.4 (MANE Select); the canonical splice acceptor site of the intron before coding-DNA position 2830, G replaced by A.
Molecular consequence: splice acceptor variant.
Genome position (GRCh38, 1-based): chr17:50,189,276, C>T on the plus strand (G>A on the coding strand, the complement: COL1A1 is on the minus strand). VCF-style: chr17-50189276-C-T. GRCh37 (hg19) VCF-style: chr17-48266637-C-T.
Identifiers: ClinVar variation 577655 (VCV000577655.12), dbSNP rs111594467, ClinGen allele CA400205276.

ClinVar aggregate classification (germline): Pathogenic. Review status: criteria provided, multiple submitters, no conflicts (2 of 4 stars). 3 submissions from 3 submitters: Pathogenic (3). Last evaluated 2025-01-09.

Conditions:
Osteogenesis imperfecta (OI). Identifiers: Orphanet 666, MedGen C0029434, MeSH D010013, MONDO:0019019.
Osteogenesis imperfecta type I (OI1). Also called: Lobstein disease; Osteogenesis imperfecta type 1; Lobstein's Disease; Classic Non-deforming Osteogenesis Imperfecta with Blue Sclerae; OI, TYPE I; OSTEOGENESIS IMPERFECTA TARDA. Identifiers: Orphanet 216796, Orphanet 666, MedGen C0023931, MONDO:0008146, OMIM 166200. Disease mechanism: loss of function.

Submissions (3):

MVZ Martinsried, Medicover Genetics
Classification: Pathogenic for Osteogenesis imperfecta type I. Last evaluated: 2025-01-09. Review status: criteria provided, single submitter. Criteria: ACGS Guidelines, 2020. Collection method: clinical testing. Allele origin: unknown. Affected: yes. Observed: 1 heterozygote.

Labcorp Genetics (formerly Invitae), Labcorp
Classification: Pathogenic for Osteogenesis imperfecta type I. Last evaluated: 2021-10-24. Review status: criteria provided, single submitter. Criteria: Invitae Variant Classification Sherloc (09022015). Collection method: clinical testing. Allele origin: germline.
Comment: This sequence change affects an acceptor splice site in intron 39 of the COL1A1 gene. It is expected to disrupt RNA splicing. Variants that disrupt the donor or acceptor splice site typically lead to a loss of protein function (PMID: 16199547), and loss-of-function variants in COL1A1 are known to be pathogenic (PMID: 7942841, 9295084, 9443882). ClinVar contains an entry for this variant (Variation ID: 577655). Disruption of this splice site has been observed in individual(s) with clinical features of osteogenesis imperfecta (Invitae). In at least one individual the variant was observed to be de novo. Algorithms developed to predict the effect of sequence changes on RNA splicing suggest that this variant may disrupt the consensus splice site. For these reasons, this variant has been classified as Pathogenic. This variant is not present in population databases (gnomAD no frequency).

Genome Diagnostics Laboratory, The Hospital for Sick Children
Classification: Pathogenic for Osteogenesis imperfecta. Last evaluated: 2019-03-01. Review status: criteria provided, single submitter. Criteria: ACMG Guidelines, 2015. Collection method: clinical testing. Allele origin: germline.

Literature cited by the submitters: PubMed 16199547 (cited by Labcorp Genetics (formerly Invitae), Labcorp); PubMed 7942841 (cited by Labcorp Genetics (formerly Invitae), Labcorp); PubMed 9295084 (cited by Labcorp Genetics (formerly Invitae), Labcorp); PubMed 9443882 (cited by Labcorp Genetics (formerly Invitae), Labcorp).